The following is an entry in ClinVar:

NM_006492.3(ALX3):c.354C>T (p.Pro118=)

Gene: ALX3 (ALX homeobox 3; minus strand). Cytogenetic location: 1p13.3.
Variant type: single nucleotide variant.
Coding change: c.354C>T on transcript NM_006492.3 (MANE Select); coding-DNA position 354, C replaced by T.
Protein change: p.Pro118=; no amino-acid change (proline 118 retained).
Molecular consequence: synonymous variant.
Genome position (GRCh38, 1-based): chr1:110,064,827, G>A on the plus strand (C>T on the coding strand, the complement: ALX3 is on the minus strand). VCF-style: chr1-110064827-G-A. GRCh37 (hg19) VCF-style: chr1-110607449-G-A.
Identifiers: ClinVar variation 4681927 (VCV004681927.5).

ClinVar aggregate classification (germline): Likely benign (1 of 4 stars; one submission).

gnomAD v4.1: 2 of 1,613,726 alleles (0.00012%); highest among the groups gnomAD compares: African/African-American, 0.0013%; no homozygotes.

Submission:

CeGaT Center for Human Genetics Tuebingen
Classification: Likely benign. Last evaluated: 2025-12-01. Review status: criteria provided, single submitter. Criteria: CeGaT Center For Human Genetics Tuebingen Variant Classification Criteria Version 2. Collection method: clinical testing. Allele origin: germline. Affected: yes. Observed: 1 variant allele.
Comment: ALX3: BP4, BP7